The following is an entry in ClinVar:

NM_018089.3(ANKZF1):c.1963C>G (p.Arg655Gly)

Gene: ANKZF1 (ankyrin repeat and zinc finger peptidyl tRNA hydrolase 1; plus strand). Cytogenetic location: 2q35.
Variant type: single nucleotide variant.
Coding change: c.1963C>G on transcript NM_018089.3 (MANE Select); coding-DNA position 1963, C replaced by G.
Protein change: p.Arg655Gly; replaces arginine 655 with glycine.
Molecular consequence: missense variant.
Genome position (GRCh38, 1-based): chr2:219,235,867, C>G. VCF-style: chr2-219235867-C-G. GRCh37 (hg19) VCF-style: chr2-220100589-C-G.
Other names: c.1963C>G, p.Arg655Gly (NM_001042410.2); c.1333C>G, p.Arg445Gly (NM_001282792.2); short protein forms R655G, R445G.
Identifiers: ClinVar variation 2804469 (VCV002804469.3), dbSNP rs1473207265, ClinGen allele CA350688308.

ClinVar aggregate classification (germline): Uncertain significance (1 of 4 stars; one submission).

Submission:

Labcorp Genetics (formerly Invitae), Labcorp
Classification: Uncertain significance. Last evaluated: 2023-07-08. Review status: criteria provided, single submitter. Criteria: Invitae Variant Classification Sherloc (09022015). Collection method: clinical testing. Allele origin: germline.
Comment: In summary, the available evidence is currently insufficient to determine the role of this variant in disease. Therefore, it has been classified as a Variant of Uncertain Significance. An algorithm developed to predict the effect of missense changes on protein structure and function (PolyPhen-2) suggests that this variant is likely to be disruptive. This variant has not been reported in the literature in individuals affected with ANKZF1-related conditions. This variant is not present in population databases (gnomAD no frequency). This sequence change replaces arginine, which is basic and polar, with glycine, which is neutral and non-polar, at codon 655 of the ANKZF1 protein (p.Arg655Gly).